The following is an entry in ClinVar:

ClinVar aggregate classification (germline): Uncertain significance. Review status: criteria provided, multiple submitters, no conflicts (2 of 4 stars). 3 submissions from 3 submitters: Uncertain significance (3). Last evaluated 2025-12-04.

Conditions:
Inborn genetic diseases. Identifiers: MedGen C0950123, MeSH D030342.

Allele frequency attached by ClinVar (database versions not stated): ExAC 0.00001; gnomAD 0.00001; TOPMed 0.00002; gnomAD exomes 0.00006.
gnomAD v4.1: 86 of 1,612,858 alleles (0.0053%); highest among the groups gnomAD compares: Non-Finnish European, 0.0069%; no homozygotes.

Submissions (3):

Ambry Genetics
Classification: Uncertain significance for Inborn genetic diseases. Last evaluated: 2025-12-04. Review status: criteria provided, single submitter. Criteria: Ambry Variant Classification Scheme 2023. Collection method: clinical testing. Allele origin: germline.

Blueprint Genetics
Classification: Uncertain significance. Last evaluated: 2024-01-29. Review status: criteria provided, single submitter. Criteria: ACMG Guidelines, 2015. Collection method: clinical testing. Allele origin: germline.

GeneDx
Classification: Uncertain significance. Last evaluated: 2023-10-02. Review status: criteria provided, single submitter. Criteria: GeneDx Variant Classification Process June 2021. Collection method: clinical testing. Allele origin: germline. Affected: yes.
Comment: Not observed at significant frequency in large population cohorts (gnomAD); In silico analysis supports that this missense variant does not alter protein structure/function; Has not been previously published as pathogenic or benign to our knowledge

NM_003982.4(SLC7A7):c.496A>G (p.Ile166Val)

Gene: SLC7A7 (solute carrier family 7 member 7; minus strand). Cytogenetic location: 14q11.2.
Variant type: single nucleotide variant.
Coding change: c.496A>G on transcript NM_003982.4 (MANE Select); coding-DNA position 496, A replaced by G.
Protein change: p.Ile166Val; replaces isoleucine 166 with valine.
Molecular consequence: missense variant.
Genome position (GRCh38, 1-based): chr14:22,812,903, T>C on the plus strand (A>G on the coding strand, the complement: SLC7A7 is on the minus strand). VCF-style: chr14-22812903-T-C. GRCh37 (hg19) VCF-style: chr14-23282112-T-C.
Other names: c.496A>G, p.Ile166Val (NM_001126105.3, NM_001126106.4); short protein forms I166V.
Identifiers: ClinVar variation 3252363 (VCV003252363.3), dbSNP rs772892972.